The following is an entry in ClinVar:

NM_031935.3(HMCN1):c.2072A>G (p.Lys691Arg)

Gene: HMCN1 (hemicentin 1; plus strand). Cytogenetic location: 1q31.1.
Variant type: single nucleotide variant.
Coding change: c.2072A>G on transcript NM_031935.3 (MANE Select); coding-DNA position 2072, A replaced by G.
Protein change: p.Lys691Arg; replaces lysine 691 with arginine.
Molecular consequence: missense variant.
Genome position (GRCh38, 1-based): chr1:185,963,869, A>G. VCF-style: chr1-185963869-A-G. GRCh37 (hg19) VCF-style: chr1-185933001-A-G.
Other names: c.2072A>G (NM_031935.2); short protein forms K691R.
Identifiers: ClinVar variation 1915366 (VCV001915366.6), dbSNP rs1650208801, ClinGen allele CA343876473.

ClinVar aggregate classification (germline): Uncertain significance. Review status: criteria provided, multiple submitters, no conflicts (2 of 4 stars). 2 submissions from 2 submitters: Uncertain significance (2). Last evaluated 2025-10-22.

Allele frequency attached by ClinVar (database versions not stated): gnomAD exomes 0.00001.
gnomAD v4.1: 9 of 1,612,378 alleles (0.00056%); highest among the groups gnomAD compares: Middle Eastern, 0.017%; no homozygotes.

Submissions (2):

Ambry Genetics
Classification: Uncertain significance. Last evaluated: 2025-10-22. Review status: criteria provided, single submitter. Criteria: Ambry Variant Classification Scheme 2023. Collection method: clinical testing. Allele origin: germline.

Labcorp Genetics (formerly Invitae), Labcorp
Classification: Uncertain significance. Last evaluated: 2022-03-31. Review status: criteria provided, single submitter. Criteria: Invitae Variant Classification Sherloc (09022015). Collection method: clinical testing. Allele origin: germline.
Comment: This sequence change replaces lysine, which is basic and polar, with arginine, which is basic and polar, at codon 691 of the HMCN1 protein (p.Lys691Arg). This variant is not present in population databases (gnomAD no frequency). Algorithms developed to predict the effect of missense changes on protein structure and function are either unavailable or do not agree on the potential impact of this missense change (SIFT: "Tolerated"; PolyPhen-2: "Probably Damaging"; Align-GVGD: "Class C0"). This variant has not been reported in the literature in individuals affected with HMCN1-related conditions. In summary, the available evidence is currently insufficient to determine the role of this variant in disease. Therefore, it has been classified as a Variant of Uncertain Significance.